The following is an entry in ClinVar:

NM_005629.4(SLC6A8):c.1487G>C (p.Trp496Ser)

Gene: SLC6A8 (solute carrier family 6 member 8; plus strand). Cytogenetic location: Xq28.
Variant type: single nucleotide variant.
Coding change: c.1487G>C on transcript NM_005629.4 (MANE Select); coding-DNA position 1487, G replaced by C.
Protein change: p.Trp496Ser; replaces tryptophan 496 with serine.
Molecular consequence: missense variant.
Genome position (GRCh38, 1-based): chrX:153,694,438, G>C. VCF-style: chrX-153694438-G-C. GRCh37 (hg19) VCF-style: chrX-152959893-G-C.
Other names: c.1457G>C, p.Trp486Ser (NM_001142805.2); c.1142G>C, p.Trp381Ser (NM_001142806.1); short protein forms W381S, W486S, W496S.
Identifiers: ClinVar variation 3775796 (VCV003775796.1).

ClinVar aggregate classification (germline): Uncertain significance (1 of 4 stars; one submission).

Conditions:
Creatine transporter deficiency (CCDS1). Also called: CEREBRAL CREATINE DEFICIENCY SYNDROME 1; Creatine Transporter (CRTR) Deficiency; Mental retardation , X-linked with seizures, short stature and midface hypoplasia; Mental retardation , X-linked, with creatine transport deficiency; X-linked creatine transporter deficiency; X-linked creatine deficiency syndrome. Identifiers: Orphanet 52503, MedGen C1845862, MONDO:0010305, OMIM 300352.

Submission:

3billion
Classification: Uncertain significance for Creatine transporter deficiency. Last evaluated: 2023-12-01. Review status: criteria provided, single submitter. Criteria: ACMG Guidelines, 2015. Collection method: clinical testing. Allele origin: germline. Affected: yes.
Comment: The variant is not observed in the gnomAD v2.1.1 dataset. Predicted Consequence/Location: Missense variant In silico tool predictions suggest damaging effect of the variant on gene or gene product [REVEL: 0.91 (>=0.6, sensitivity 0.68 and specificity 0.92); 3Cnet: 0.80 (>=0.6, sensitivity 0.72 and precision 0.9)]. Therefore, this variant is classified as VUS according to the recommendation of ACMG/AMP guideline.